The following is an entry in ClinVar:

NM_001792.5(CDH2):c.2137G>C (p.Asp713His)

Gene: CDH2 (cadherin 2; minus strand). Cytogenetic location: 18q12.1.
Variant type: single nucleotide variant.
Coding change: c.2137G>C on transcript NM_001792.5 (MANE Select); coding-DNA position 2137, G replaced by C.
Protein change: p.Asp713His; replaces aspartic acid 713 with histidine.
Molecular consequence: missense variant.
Genome position (GRCh38, 1-based): chr18:27,985,072, C>G on the plus strand (G>C on the coding strand, the complement: CDH2 is on the minus strand). VCF-style: chr18-27985072-C-G. GRCh37 (hg19) VCF-style: chr18-25565036-C-G.
Other names: c.2044G>C, p.Asp682His (NM_001308176.2); c.2137G>C (NM_001792.4); short protein forms D713H, D682H.
Identifiers: ClinVar variation 1415449 (VCV001415449.8), dbSNP rs199712566, ClinGen allele CA8923231.

ClinVar aggregate classification (germline): Conflicting classifications of pathogenicity. Review status: criteria provided, conflicting classifications (1 of 4 stars). 2 submissions from 2 submitters: Uncertain significance (1); Likely benign (1). Last evaluated 2025-12-22.

Conditions:
Agenesis of corpus callosum, cardiac, ocular, and genital syndrome. Identifiers: MedGen C5394523, MONDO:0030065, OMIM 618929.

Allele frequency attached by ClinVar (database versions not stated): gnomAD 0.00007 and 0.00006; TOPMed 0.00006; ExAC 0.00007.
gnomAD v4.1: 67 of 1,614,164 alleles (0.0042%); highest among the groups gnomAD compares: Middle Eastern, 0.033%; no homozygotes.

Submissions (2):

Labcorp Genetics (formerly Invitae), Labcorp
Classification: Uncertain significance. Last evaluated: 2025-12-22. Review status: criteria provided, single submitter. Criteria: Invitae Variant Classification Sherloc (09022015). Collection method: clinical testing. Allele origin: germline.
Comment: This sequence change replaces aspartic acid, which is acidic and polar, with histidine, which is basic and polar, at codon 713 of the CDH2 protein (p.Asp713His). This variant is present in population databases (rs199712566, gnomAD 0.01%). This missense change has been observed in individual(s) with arrhythmogenic right ventricular cardiomyopathy (PMID: 33566628). ClinVar contains an entry for this variant (Variation ID: 1415449). An algorithm developed to predict the effect of missense changes on protein structure and function (PolyPhen-2) suggests that this variant is likely to be disruptive. In summary, the available evidence is currently insufficient to determine the role of this variant in disease. Therefore, it has been classified as a Variant of Uncertain Significance.

Blueprint Genetics
Classification: Likely benign. Last evaluated: 2024-09-25. Review status: criteria provided, single submitter. Criteria: ACMG Guidelines, 2015. Collection method: clinical testing. Allele origin: germline.

Literature cited by the submitters: PubMed 33566628 (cited by Labcorp Genetics (formerly Invitae), Labcorp).